The following is an entry in ClinVar:

NM_001080467.3(MYO5B):c.446_452del (p.Gln149fs)

Gene: MYO5B (myosin VB; minus strand). Cytogenetic location: 18q21.1.
Variant type: Deletion.
Coding change: c.446_452del on transcript NM_001080467.3 (MANE Select); coding-DNA positions 446 to 452, 7 bases deleted (AGATGGC; older notation c.446_452delAGATGGC).
Protein change: p.Gln149fs; shifts the reading frame from glutamine 149.
Molecular consequence: frameshift variant.
Genome position (GRCh38, 1-based): chr18:50,036,853-50,036,859, GCCATCT deleted on the plus strand (AGATGGC on the coding strand, the reverse complement: MYO5B is on the minus strand); deleting any 7 consecutive bases within chr18:50,036,853-50,036,861 gives the same sequence; the c. name uses the placement nearest the transcript's 3' end. VCF-style (leftmost placement, unchanged base first): chr18-50036852-GGCCATCT-G. GRCh37 (hg19) VCF-style: chr18-47563222-GGCCATCT-G.
Other names: short protein forms Q149fs.
Identifiers: ClinVar variation 4692995 (VCV004692995.1).
Genomic context (GRCh38, chr18:50,036,852, plus strand): 5'-ACTCCCCTTCCTGCCCACTGACTACTCAGGAGGACTTCTGGGCTGAGGACATTCTCACCT[GGCCATCT>G]GCTTGTAGGCTTCTTCTGCCACAGCAAAGATGTGGGGGTCCATGTCTCCCATGTTTTGGC-3'

ClinVar aggregate classification (germline): Pathogenic (1 of 4 stars; one submission).

Submission:

Labcorp Genetics (formerly Invitae), Labcorp
Classification: Pathogenic. Last evaluated: 2025-03-25. Review status: criteria provided, single submitter. Criteria: Invitae Variant Classification Sherloc (09022015). Collection method: clinical testing. Allele origin: germline.
Comment: This sequence change creates a premature translational stop signal (p.Gln149Profs*10) in the MYO5B gene. It is expected to result in an absent or disrupted protein product. Loss-of-function variants in MYO5B are known to be pathogenic (PMID: 18724368, 20186687). This variant is not present in population databases (gnomAD no frequency). This variant has not been reported in the literature in individuals affected with MYO5B-related conditions. For these reasons, this variant has been classified as Pathogenic.

Literature cited by the submitters: PubMed 18724368; PubMed 20186687.